The following is an entry in ClinVar:

ClinVar aggregate classification (germline): Conflicting classifications of pathogenicity. Review status: criteria provided, conflicting classifications (1 of 4 stars). 9 submissions from 9 submitters: Uncertain significance (4); Benign (1); Likely benign (3). 1 of the submissions does not count toward it. Last evaluated 2024-05-01.

Conditions:
TTN-related disorder. Also called: TTN-related condition; TTN-related disease; TTN-related disorders.
Autosomal recessive limb-girdle muscular dystrophy type 2J (LGMDR10). Also called: Limb-girdle muscular dystrophy, type 2J; MUSCULAR DYSTROPHY, LIMB-GIRDLE, AUTOSOMAL RECESSIVE 10. Identifiers: Orphanet 140922, MedGen C1837342, MONDO:0012127, OMIM 608807.
Dilated cardiomyopathy 1G (CMD1G). Identifiers: Orphanet 154, MedGen C1858763, MONDO:0011400, OMIM 604145.

Allele frequency attached by ClinVar (database versions not stated): ExAC 0.00002; gnomAD exomes 0.00003 and 0.00010; ESP Exome Variant Server 0.00009; gnomAD 0.00009 and 0.00010; TOPMed 0.00012.

Submissions (9):

CeGaT Center for Human Genetics Tuebingen
Classification: Likely benign. Last evaluated: 2024-05-01. Review status: criteria provided, single submitter. Criteria: CeGaT Center For Human Genetics Tuebingen Variant Classification Criteria Version 2. Collection method: clinical testing. Allele origin: germline. Affected: yes. Observed: 2 variant alleles.
Comment: TTN: BP4

ARUP Laboratories, Molecular Genetics and Genomics, ARUP Laboratories
Classification: Likely benign. Last evaluated: 2023-12-01. Review status: criteria provided, single submitter. Criteria: ARUP Molecular Germline Variant Investigation Process 2024. Collection method: clinical testing. Allele origin: germline.

Athena Diagnostics
Classification: Uncertain significance. Last evaluated: 2023-01-29. Review status: criteria provided, single submitter. Criteria: Athena Diagnostics Criteria. Collection method: clinical testing. Allele origin: unknown.
Comment: Available data are insufficient to determine the clinical significance of the variant at this time. The frequency of this variant in the general population is uninformative in assessment of its pathogenicity. Computational tools yielded predictions that this variant is unlikely to have an effect on normal RNA splicing.

Women's Health and Genetics/Laboratory Corporation of America, LabCorp
Classification: Uncertain significance. Last evaluated: 2021-10-17. Review status: criteria provided, single submitter. Criteria: LabCorp Variant Classification Summary - May 2015. Collection method: clinical testing. Allele origin: germline.

Eurofins Ntd Llc (ga)
Classification: Uncertain significance. Last evaluated: 2018-01-12. Review status: criteria provided, single submitter. Criteria: EGL Classification Definitions 2015. Collection method: clinical testing. Allele origin: germline. Observed: 2 variant alleles, 1 heterozygote.

Labcorp Genetics (formerly Invitae), Labcorp
Classification: Uncertain significance for Dilated cardiomyopathy 1G; Autosomal recessive limb-girdle muscular dystrophy type 2J. Last evaluated: 2017-12-06. Review status: criteria provided, single submitter. Criteria: Invitae Variant Classification Sherloc (09022015). Collection method: clinical testing. Allele origin: germline.

Laboratory for Molecular Medicine, Mass General Brigham Personalized Medicine
Classification: Likely benign. Last evaluated: 2015-06-30. Review status: criteria provided, single submitter. Criteria: LMM Criteria. Collection method: clinical testing. Allele origin: germline. Observed: 1 variant allele.
Comment: c.49840+7_49840+8insA in intron 243 of TTN: This variant is not expected to have clinical significance because it is not located within the splice consensus seq uence. It has been identified in 2/43244 European chromosomes by the Exome Aggre gation Consortium (ExAC).

GeneDx
Classification: Benign. Last evaluated: 2015-03-03. Review status: criteria provided, single submitter. Criteria: GeneDx Variant Classification Process June 2021. Collection method: clinical testing. Allele origin: germline. Affected: yes.

PreventionGenetics, part of Exact Sciences
Classification: Likely benign for TTN-related condition. Last evaluated: 2024-06-08. Review status: no assertion criteria provided. Collection method: clinical testing. Allele origin: germline. Not counted in ClinVar's aggregate classification.
Comment: This variant is classified as likely benign based on ACMG/AMP sequence variant interpretation guidelines (Richards et al. 2015 PMID: 25741868, with internal and published modifications).

NM_001267550.2(TTN):c.57544+7dup

Genes: TTN-AS1 (TTN antisense RNA 1; plus strand), TTN (titin; minus strand). Cytogenetic location: 2q31.2.
Variant type: Duplication.
Coding change: c.57544+7dup on transcript NM_001267550.2 (MANE Select); 7 bases into the intron after coding-DNA position 57544, one base duplicated (A; older notation c.57544+7dupA).
Genome position (GRCh38, 1-based): chr2:178,597,531, T duplicated on the plus strand (A on the coding strand, the reverse complement: TTN is on the minus strand). VCF-style (leftmost placement, unchanged base first): chr2-178597530-G-GT. GRCh37 (hg19) VCF-style: chr2-179462257-G-GT.
Other names: c.30349+7dup (NM_003319.4); c.30925+7dup (NM_133437.4); c.30724+7dup (NM_133432.3); c.49840+7dup (NM_133378.4); c.52621+7dup (NM_001256850.1); c.57544+7dupA (NM_001267550.2); c.57544+7dup (NM_001267550.1); c.49840+7dupA (NM_133378.4).
Identifiers: ClinVar variation 228109 (VCV000228109.42), dbSNP rs750881309, ClinGen allele CA1993036.